The following is an entry in ClinVar:

NM_004523.4(KIF11):c.206A>C (p.Asp69Ala)

Gene: KIF11 (kinesin family member 11; plus strand). Cytogenetic location: 10q23.33.
Variant type: single nucleotide variant.
Coding change: c.206A>C on transcript NM_004523.4 (MANE Select); coding-DNA position 206, A replaced by C.
Protein change: p.Asp69Ala; replaces aspartic acid 69 with alanine.
Molecular consequence: missense variant.
Genome position (GRCh38, 1-based): chr10:92,606,393, A>C. VCF-style: chr10-92606393-A-C. GRCh37 (hg19) VCF-style: chr10-94366150-A-C.
Other names: short protein forms D69A.
Identifiers: ClinVar variation 1302112 (VCV001302112.2), dbSNP rs2135900590, ClinGen allele CA377588070.

ClinVar aggregate classification (germline): Uncertain significance (1 of 4 stars; one submission).

Submission:

GeneDx
Classification: Uncertain significance. Last evaluated: 2019-05-13. Review status: criteria provided, single submitter. Criteria: GeneDx Variant Classification Process June 2021. Collection method: clinical testing. Allele origin: germline. Affected: yes.
Comment: Not observed in large population cohorts (Lek et al., 2016); In silico analysis, which includes protein predictors and evolutionary conservation, supports a deleterious effect; Has not been previously published as pathogenic or benign to our knowledge